The following is an entry in ClinVar:

NM_014241.4(HACD1):c.20C>G (p.Ala7Gly)

Genes: HACD1 (3-hydroxyacyl-CoA dehydratase 1; minus strand), LOC130003454 (ATAC-STARR-seq lymphoblastoid silent region 2183; plus strand). Cytogenetic location: 10p12.33.
Variant type: single nucleotide variant.
Coding change: c.20C>G on transcript NM_014241.4 (MANE Select); coding-DNA position 20, C replaced by G.
Protein change: p.Ala7Gly; replaces alanine 7 with glycine.
Molecular consequence: missense variant.
Genome position (GRCh38, 1-based): chr10:17,617,320, G>C on the plus strand (C>G on the coding strand, the complement: HACD1 is on the minus strand). VCF-style: chr10-17617320-G-C. GRCh37 (hg19) VCF-style: chr10-17659319-G-C.
Other names: short protein forms A7G.
Identifiers: ClinVar variation 1387391 (VCV001387391.6), dbSNP rs1554818286, ClinGen allele CA376209291.

ClinVar aggregate classification (germline): Uncertain significance (1 of 4 stars; one submission).

Submission:

Labcorp Genetics (formerly Invitae), Labcorp
Classification: Uncertain significance. Last evaluated: 2021-10-23. Review status: criteria provided, single submitter. Criteria: Invitae Variant Classification Sherloc (09022015). Collection method: clinical testing. Allele origin: germline.
Comment: In summary, the available evidence is currently insufficient to determine the role of this variant in disease. Therefore, it has been classified as a Variant of Uncertain Significance. Algorithms developed to predict the effect of missense changes on protein structure and function are either unavailable or do not agree on the potential impact of this missense change (SIFT: "Deleterious"; PolyPhen-2: "Possibly Damaging"; Align-GVGD: "Class C0"). This variant has not been reported in the literature in individuals affected with HACD1-related conditions. The frequency data for this variant in the population databases is considered unreliable, as metrics indicate insufficient coverage at this position in the ExAC database. This sequence change replaces alanine with glycine at codon 7 of the HACD1 protein (p.Ala7Gly). The alanine residue is weakly conserved and there is a small physicochemical difference between alanine and glycine.